The following is an entry in ClinVar:

NM_005219.5(DIAPH1):c.3018+3G>A

Gene: DIAPH1 (diaphanous related formin 1; minus strand). Cytogenetic location: 5q31.3.
Variant type: single nucleotide variant.
Coding change: c.3018+3G>A on transcript NM_005219.5 (MANE Select); 3 bases into the intron after coding-DNA position 3018, G replaced by A.
Molecular consequence: intron variant.
Genome position (GRCh38, 1-based): chr5:141,528,699, C>T on the plus strand (G>A on the coding strand, the complement: DIAPH1 is on the minus strand). VCF-style: chr5-141528699-C-T. GRCh37 (hg19) VCF-style: chr5-140908266-C-T.
Other names: c.2991+3G>A (NM_001079812.3); c.3018+3G>A (NM_001314007.2).
Identifiers: ClinVar variation 1448522 (VCV001448522.9), dbSNP rs2154594998, ClinGen allele CA2573139218.

ClinVar aggregate classification (germline): Uncertain significance (1 of 4 stars; one submission).

Conditions:
Autosomal dominant nonsyndromic hearing loss 1. Also called: KONIGSMARK SYNDROME; DEAFNESS, AUTOSOMAL DOMINANT 1, WITH OR WITHOUT THROMBOCYTOPENIA. Identifiers: Orphanet 90635, MedGen C1852282, MONDO:0007424, OMIM 124900.
Progressive microcephaly-seizures-cortical blindness-developmental delay syndrome. Also called: Seizures, cortical blindness, and microcephaly syndrome. Identifiers: Orphanet 477814, MedGen C5567650, MONDO:0014714, OMIM 616632.

gnomAD v4.1: 2 of 1,614,238 alleles (0.00012%); highest among the groups gnomAD compares: South Asian, 0.0011%; no homozygotes.

Submission:

Labcorp Genetics (formerly Invitae), Labcorp
Classification: Uncertain significance for Progressive microcephaly-seizures-cortical blindness-developmental delay syndrome; Autosomal dominant nonsyndromic hearing loss 1. Last evaluated: 2024-10-15. Review status: criteria provided, single submitter. Criteria: Invitae Variant Classification Sherloc (09022015). Collection method: clinical testing. Allele origin: germline.
Comment: This sequence change falls in intron 22 of the DIAPH1 gene. It does not directly change the encoded amino acid sequence of the DIAPH1 protein. It affects a nucleotide within the consensus splice site. This variant is not present in population databases (gnomAD no frequency). This variant has not been reported in the literature in individuals affected with DIAPH1-related conditions. ClinVar contains an entry for this variant (Variation ID: 1448522). Variants that disrupt the consensus splice site are a relatively common cause of aberrant splicing (PMID: 17576681, 9536098). Algorithms developed to predict the effect of sequence changes on RNA splicing suggest that this variant is not likely to affect RNA splicing. In summary, the available evidence is currently insufficient to determine the role of this variant in disease. Therefore, it has been classified as a Variant of Uncertain Significance.

Literature cited by the submitters: PubMed 17576681; PubMed 9536098.